The following is an entry in ClinVar:

ClinVar aggregate classification (germline): Likely benign. Review status: criteria provided, multiple submitters, no conflicts (2 of 4 stars). 3 submissions from 3 submitters: Likely benign (3). Last evaluated 2026-04-23.

Conditions:
Hereditary cancer-predisposing syndrome. Also called: Hereditary neoplastic syndrome; Hereditary Cancer Syndrome; Tumor predisposition; Neoplastic Syndromes, Hereditary. Identifiers: Orphanet 140162, MedGen C0027672, MeSH D009386, MONDO:0015356.
Rhabdoid tumor predisposition syndrome 2 (RTPS2). Identifiers: Orphanet 231108, Orphanet 69077, MedGen C2750074, MONDO:0013224, OMIM 613325.
SMARCA4-related disorder. Also called: SMARCA4-related condition.

Allele frequency attached by ClinVar (database versions not stated): gnomAD exomes below 0.00001.
gnomAD v4.1: 1 of 1,612,916 alleles (0.000062%); highest among the groups gnomAD compares: Non-Finnish European, 0.000085%; no homozygotes.

Submissions (3):

Ambry Genetics
Classification: Likely benign for Hereditary cancer-predisposing syndrome. Last evaluated: 2026-04-23. Review status: criteria provided, single submitter. Criteria: Ambry Variant Classification Scheme 2023. Collection method: clinical testing. Allele origin: germline.

PreventionGenetics, part of Exact Sciences
Classification: Likely benign for SMARCA4-related condition. Last evaluated: 2025-09-08. Review status: criteria provided, single submitter. Criteria: ACMG Guidelines, 2015. Collection method: clinical testing. Allele origin: germline.
Comment: This variant is classified as likely benign based on ACMG/AMP sequence variant interpretation guidelines (Richards et al. 2015 PMID: 25741868, with internal and published modifications).

Labcorp Genetics (formerly Invitae), Labcorp
Classification: Likely benign for Rhabdoid tumor predisposition syndrome 2. Last evaluated: 2023-09-14. Review status: criteria provided, single submitter. Criteria: Invitae Variant Classification Sherloc (09022015). Collection method: clinical testing. Allele origin: germline.

NM_003072.5(SMARCA4):c.861A>G (p.Gly287=)

Gene: SMARCA4 (SWI/SNF related BAF chromatin remodeling complex subunit ATPase 4; plus strand). Cytogenetic location: 19p13.2.
Variant type: single nucleotide variant.
Coding change: c.861A>G on transcript NM_003072.5 (MANE Select); coding-DNA position 861, A replaced by G.
Protein change: p.Gly287=; no amino-acid change (glycine 287 retained).
Molecular consequence: synonymous variant. On other transcripts: non-coding transcript variant (1).
Genome position (GRCh38, 1-based): chr19:10,987,667, A>G. VCF-style: chr19-10987667-A-G. GRCh37 (hg19) VCF-style: chr19-11098343-A-G.
Other names: c.861A>G (NM_001128849.1); c.861A>G, p.Gly287= (NM_001128844.3, NM_001128845.2, NM_001128846.2 and 6 more transcripts).
Identifiers: ClinVar variation 2760762 (VCV002760762.5), dbSNP rs2145813336, ClinGen allele CA505489425.